The following is an entry in ClinVar:

ClinVar aggregate classification (germline): Uncertain significance. Review status: criteria provided, multiple submitters, no conflicts (2 of 4 stars). 2 submissions from 2 submitters: Uncertain significance (2). Last evaluated 2024-10-25.

Conditions:
Cystic fibrosis (CF). Also called: MUCOVISCIDOSIS. Identifiers: Orphanet 586, MedGen C0010674, MONDO:0009061, OMIM 219700. Disease mechanism: loss of function.

Submissions (2):

Women's Health and Genetics/Laboratory Corporation of America, LabCorp
Classification: Uncertain significance. Last evaluated: 2024-10-25. Review status: criteria provided, single submitter. Criteria: LabCorp Variant Classification Summary - May 2015. Collection method: clinical testing. Allele origin: germline.
Comment: Variant summary: CFTR c.580G>C (p.Gly194Arg) results in a non-conservative amino acid change located in the ABC transporter type 1, transmembrane domain (IPR011527) of the encoded protein sequence. Five of five in-silico tools predict a damaging effect of the variant on protein function. Consensus agreement among computation tools predict no significant impact on normal splicing. However, these predictions have yet to be confirmed by functional studies. The variant was absent in 251416 control chromosomes. The available data on variant occurrences in the general population are insufficient to allow any conclusion about variant significance. c.580G>C has been reported in the literature in at least one compound heterozygous individual affected with Cystic Fibrosis (Raraigh_2022). These data do not allow any conclusion about variant significance. To our knowledge, no experimental evidence demonstrating an impact on protein function has been reported. The following publication has been ascertained in the context of this evaluation (PMID: 34782259). ClinVar contains an entry for this variant (Variation ID: 2035365). Based on the evidence outlined above, the variant was classified as uncertain significance.

Labcorp Genetics (formerly Invitae), Labcorp
Classification: Uncertain significance for Cystic fibrosis. Last evaluated: 2022-10-13. Review status: criteria provided, single submitter. Criteria: Invitae Variant Classification Sherloc (09022015). Collection method: clinical testing. Allele origin: germline.
Comment: This variant disrupts the p.Gly194 amino acid residue in CFTR. Other variant(s) that disrupt this residue have been observed in individuals with CFTR-related conditions (PMID: 21520337), which suggests that this may be a clinically significant amino acid residue. Algorithms developed to predict the effect of missense changes on protein structure and function are either unavailable or do not agree on the potential impact of this missense change (SIFT: "Tolerated"; PolyPhen-2: "Possibly Damaging"; Align-GVGD: "Class C0"). This missense change has been observed in individual(s) with acute pancreatitis and/or cystic fibrosis (PMID: 17003641). This variant is not present in population databases (gnomAD no frequency). This sequence change replaces glycine, which is neutral and non-polar, with arginine, which is basic and polar, at codon 194 of the CFTR protein (p.Gly194Arg). In summary, the available evidence is currently insufficient to determine the role of this variant in disease. Therefore, it has been classified as a Variant of Uncertain Significance.

Literature cited by the submitters: PubMed 34782259 (cited by Women's Health and Genetics/Laboratory Corporation of America, LabCorp); PubMed 21520337 (cited by Labcorp Genetics (formerly Invitae), Labcorp); PubMed 17003641 (cited by Labcorp Genetics (formerly Invitae), Labcorp).

NM_000492.4(CFTR):c.580G>C (p.Gly194Arg)

Gene: CFTR (CF transmembrane conductance regulator; plus strand). Cytogenetic location: 7q31.2.
Variant type: single nucleotide variant.
Coding change: c.580G>C on transcript NM_000492.4 (MANE Select); coding-DNA position 580, G replaced by C.
Protein change: p.Gly194Arg; replaces glycine 194 with arginine.
Molecular consequence: missense variant.
Genome position (GRCh38, 1-based): chr7:117,535,248, G>C. VCF-style: chr7-117535248-G-C. GRCh37 (hg19) VCF-style: chr7-117175302-G-C.
Other names: short protein forms G194R.
Identifiers: ClinVar variation 2035365 (VCV002035365.5), dbSNP rs376008630, ClinGen allele CA368976697.